The following is an entry in ClinVar:

NM_002467.6(MYC):c.64T>C (p.Phe22Leu)

Gene: MYC (MYC proto-oncogene, bHLH transcription factor; plus strand). Cytogenetic location: 8q24.21.
Variant type: single nucleotide variant.
Coding change: c.64T>C on transcript NM_002467.6 (MANE Select); coding-DNA position 64, T replaced by C.
Protein change: p.Phe22Leu; replaces phenylalanine 22 with leucine.
Molecular consequence: missense variant.
Genome position (GRCh38, 1-based): chr8:127,738,281, T>C. VCF-style: chr8-127738281-T-C. GRCh37 (hg19) VCF-style: chr8-128750527-T-C.
Other names: c.61T>C, p.Phe21Leu (NM_001354870.1); short protein forms F21L, F22L.
Identifiers: ClinVar variation 722844 (VCV000722844.28), dbSNP rs146505192, ClinGen allele CA4875217.
Genomic context (GRCh38, chr8:127,738,281, plus strand): 5'-CCTCCCGCTTTGTGTGCCCCGCTCCAGCAGCCTCCCGCGACGATGCCCCTCAACGTTAGC[T>C]TCACCAACAGGAACTATGACCTCGACTACGACTCGGTGCAGCCGTATTTCTACTGCGACG-3'
Protein context (NP_002458.2, residues 12-32): PPATMPLNVS[Phe22Leu]TNRNYDLDYD

ClinVar aggregate classification (germline): Benign/Likely benign. Review status: criteria provided, multiple submitters, no conflicts (2 of 4 stars). 3 submissions from 3 submitters: Benign (2); Likely benign (1). Last evaluated 2023-01-01.

Allele frequency attached by ClinVar (database versions not stated): 1000 Genomes Project 0.00080; 1000 Genomes Project 30x 0.00109; TOPMed 0.00205; gnomAD 0.00222 and 0.00223; ESP Exome Variant Server 0.00231.
gnomAD v4.1: 3,140 of 1,604,432 alleles (0.2%); highest among the groups gnomAD compares: Middle Eastern, 0.75%; 25 homozygotes.

Submissions (3):

CeGaT Center for Human Genetics Tuebingen
Classification: Likely benign. Last evaluated: 2023-01-01. Review status: criteria provided, single submitter. Criteria: CeGaT Center For Human Genetics Tuebingen Variant Classification Criteria Version 2. Collection method: clinical testing. Allele origin: germline. Affected: yes. Observed: 1 variant allele.
Comment: MYC: BP4, BS2

Labcorp Genetics (formerly Invitae), Labcorp
Classification: Benign. Last evaluated: 2018-06-14. Review status: criteria provided, single submitter. Criteria: Invitae Variant Classification Sherloc (09022015). Collection method: clinical testing. Allele origin: germline.

Breakthrough Genomics
Classification: Benign. Review status: criteria provided, single submitter. Criteria: ACMG Guidelines, 2015. Collection method: not provided. Allele origin: germline. Inheritance: Unknown mechanism. Affected: yes.